The following is an entry in ClinVar:

NM_001099274.3(TINF2):c.588G>C (p.Met196Ile)

Gene: TINF2 (TERF1 interacting nuclear factor 2; minus strand). Cytogenetic location: 14q12.
Variant type: single nucleotide variant.
Coding change: c.588G>C on transcript NM_001099274.3 (MANE Select); coding-DNA position 588, G replaced by C.
Protein change: p.Met196Ile; replaces methionine 196 with isoleucine.
Molecular consequence: missense variant.
Genome position (GRCh38, 1-based): chr14:24,241,036, C>G on the plus strand (G>C on the coding strand, the complement: TINF2 is on the minus strand). VCF-style: chr14-24241036-C-G. GRCh37 (hg19) VCF-style: chr14-24710242-C-G.
Other names: c.483G>C, p.Met161Ile (NM_001363668.2); c.588G>C, p.Met196Ile (NM_012461.3); short protein forms M161I, M196I.
Identifiers: ClinVar variation 1397842 (VCV001397842.6), dbSNP rs1416935989, ClinGen allele CA389230304.

ClinVar aggregate classification (germline): Uncertain significance (1 of 4 stars; one submission).

Conditions:
Dyskeratosis congenita. Identifiers: Orphanet 1775, MedGen C0265965, MONDO:0015780.

Allele frequency attached by ClinVar (database versions not stated): gnomAD exomes below 0.00001.

Submission:

Labcorp Genetics (formerly Invitae), Labcorp
Classification: Uncertain significance for Dyskeratosis congenita. Last evaluated: 2022-02-25. Review status: criteria provided, single submitter. Criteria: Invitae Variant Classification Sherloc (09022015). Collection method: clinical testing. Allele origin: germline.
Comment: In summary, the available evidence is currently insufficient to determine the role of this variant in disease. Therefore, it has been classified as a Variant of Uncertain Significance. Algorithms developed to predict the effect of missense changes on protein structure and function output the following: SIFT: "Tolerated"; PolyPhen-2: "Benign"; Align-GVGD: "Class C0". The isoleucine amino acid residue is found in multiple mammalian species, which suggests that this missense change does not adversely affect protein function. This variant has not been reported in the literature in individuals affected with TINF2-related conditions. This variant is present in population databases (no rsID available, gnomAD 0.003%). This sequence change replaces methionine, which is neutral and non-polar, with isoleucine, which is neutral and non-polar, at codon 196 of the TINF2 protein (p.Met196Ile).